The following is an entry in ClinVar:

ClinVar aggregate classification (germline): Pathogenic. Review status: criteria provided, multiple submitters, no conflicts (2 of 4 stars). 4 submissions from 4 submitters: Pathogenic (3). 1 of the submissions does not count toward it. Last evaluated 2024-10-31.

Conditions:
Retinitis pigmentosa (RP). Identifiers: Orphanet 791, MedGen C0035334, MeSH D012174, MONDO:0019200, OMIM 268000. Inheritance: Autosomal dominant, autosomal recessive and X linked inheritance.
USH2A-related disorder. Also called: USH2A-related disorders; USH2A-related condition. Identifiers: MedGen CN239332.
Usher syndrome type 2A. Also called: RETINAL DISEASE IN USHER SYNDROME TYPE IIA, MODIFIER OF; USHER SYNDROME, TYPE IIA. Identifiers: Orphanet 231178, Orphanet 886, MedGen C1848634, MONDO:0010169, OMIM 276901.

Submissions (4):

Natera, Inc.
Classification: Pathogenic for Usher syndrome type 2A. Last evaluated: 2024-10-31. Review status: criteria provided, single submitter. Criteria: Natera Variant Classification Schema (03/2026). Collection method: clinical testing. Allele origin: germline.
Comment: The c.2028C>A variant in USH2A is a nonsense variant predicted to introduce a stop codon at amino acid 676. This variant is expected to result in nonsense mediated decay, truncation, or a dysfunctional protein product. This variant is rare in the general population with a frequency below the threshold expected for the associated phenotype(s). This variant has been observed in one or more individuals affected with the associated recessive disease, as either homozygous or compound heterozygous with a second variant (PMID: 27957503). Given the available evidence, this variant is classified as Pathogenic.

Labcorp Genetics (formerly Invitae), Labcorp
Classification: Pathogenic. Last evaluated: 2023-06-10. Review status: criteria provided, single submitter. Criteria: Invitae Variant Classification Sherloc (09022015). Collection method: clinical testing. Allele origin: germline.
Comment: For these reasons, this variant has been classified as Pathogenic. ClinVar contains an entry for this variant (Variation ID: 636209). This premature translational stop signal has been observed in individual(s) with clinical features of Usher syndrome (PMID: 24944099). This variant is not present in population databases (gnomAD no frequency). This sequence change creates a premature translational stop signal (p.Cys676*) in the USH2A gene. It is expected to result in an absent or disrupted protein product. Loss-of-function variants in USH2A are known to be pathogenic (PMID: 10729113, 10909849, 20507924, 25649381).

Blueprint Genetics
Classification: Pathogenic for USH2A-related disorders. Last evaluated: 2022-11-07. Review status: criteria provided, single submitter. Criteria: ACMG Guidelines, 2015. Collection method: clinical testing. Allele origin: germline. Affected: yes. Observed: 2 variant alleles.

Department of Clinical Genetics, Copenhagen University Hospital, Rigshospitalet
Classification: Likely pathogenic for Retinitis pigmentosa. Last evaluated: 2018-04-01. Review status: no assertion criteria provided. Collection method: research. Allele origin: unknown. Affected: yes. Study: VeluxRD. Not counted in ClinVar's aggregate classification.

Literature cited by the submitters: PubMed 27957503 (cited by Natera, Inc.); PubMed 24944099 (cited by Labcorp Genetics (formerly Invitae), Labcorp); PubMed 10729113 (cited by Labcorp Genetics (formerly Invitae), Labcorp); PubMed 10909849 (cited by Labcorp Genetics (formerly Invitae), Labcorp); PubMed 20507924 (cited by Labcorp Genetics (formerly Invitae), Labcorp); PubMed 25649381 (cited by Labcorp Genetics (formerly Invitae), Labcorp); PubMed 30718709 (cited by Department of Clinical Genetics, Copenhagen University Hospital, Rigshospitalet).

NM_206933.4(USH2A):c.2028C>A (p.Cys676Ter)

Gene: USH2A (usherin; minus strand). Cytogenetic location: 1q41.
Variant type: single nucleotide variant.
Coding change: c.2028C>A on transcript NM_206933.4 (MANE Select); coding-DNA position 2028, C replaced by A.
Protein change: p.Cys676Ter; replaces cysteine 676 with a stop codon.
Molecular consequence: nonsense.
Genome position (GRCh38, 1-based): chr1:216,251,042, G>T on the plus strand (C>A on the coding strand, the complement: USH2A is on the minus strand). VCF-style: chr1-216251042-G-T. GRCh37 (hg19) VCF-style: chr1-216424384-G-T.
Other names: c.2028C>A, p.Cys676Ter (NM_007123.6); short protein forms C676*.
Identifiers: ClinVar variation 636209 (VCV000636209.9), dbSNP rs1571623023, ClinGen allele CA344866621.
Genomic context (GRCh38, chr1:216,251,042, plus strand): 5'-GCAGTTACAGGGACTGCAGCCATCAGGATCCAACTCTTGTAGATTGTAGAATCCATTCTG[G>T]CACTGATTGCACTGCCTGCCAGACACGTGTCTCTTACAATTACACTGTCCTCCAATCTAG-3'